The following is an entry in ClinVar:

ClinVar aggregate classification (germline): Uncertain significance (0 of 4 stars; one submission).

Conditions:
TBK1-related disorder. Also called: TBK1-related condition.

Allele frequency attached by ClinVar (database versions not stated): gnomAD 0.00001; TOPMed 0.00001; ExAC 0.00004.

Submission:

PreventionGenetics, part of Exact Sciences
Classification: Uncertain significance for TBK1-related condition. Last evaluated: 2023-10-23. Review status: no assertion criteria provided. Collection method: clinical testing. Allele origin: germline.
Comment: The TBK1 c.1331G>A variant is predicted to result in the amino acid substitution p.Arg444Gln. This variant is reported in 0.020% of alleles in individuals of European (Finnish) descent in gnomAD. At this time, the clinical significance of this variant is uncertain due to the absence of conclusive functional and genetic evidence.

NM_013254.4(TBK1):c.1331G>A (p.Arg444Gln)

Gene: TBK1 (TANK binding kinase 1; plus strand). Cytogenetic location: 12q14.2.
Variant type: single nucleotide variant.
Coding change: c.1331G>A on transcript NM_013254.4 (MANE Select); coding-DNA position 1331, G replaced by A.
Protein change: p.Arg444Gln; replaces arginine 444 with glutamine.
Molecular consequence: missense variant.
Genome position (GRCh38, 1-based): chr12:64,486,008, G>A. VCF-style: chr12-64486008-G-A. GRCh37 (hg19) VCF-style: chr12-64879788-G-A.
Other names: short protein forms R444Q.
Identifiers: ClinVar variation 3032574 (VCV003032574.2), dbSNP rs774354456, ClinGen allele CA6669035.